The following is an entry in ClinVar:

NM_000051.4(ATM):c.7413C>T (p.Ile2471=)

Genes: ATM (ATM serine/threonine kinase; plus strand), C11orf65 (chromosome 11 open reading frame 65; minus strand). Cytogenetic location: 11q22.3.
Variant type: single nucleotide variant.
Coding change: c.7413C>T on transcript NM_000051.4 (MANE Select); coding-DNA position 7413, C replaced by T.
Protein change: p.Ile2471=; no amino-acid change (isoleucine 2471 retained).
Molecular consequence: synonymous variant. On other transcripts: intron variant (2).
Genome position (GRCh38, 1-based): chr11:108,330,319, C>T. VCF-style: chr11-108330319-C-T. GRCh37 (hg19) VCF-style: chr11-108201046-C-T.
Other names: c.7413C>T, p.Ile2471= (NM_001351834.2); c.641-21248G>A (NM_001330368.2); c.*38+4901G>A (NM_001351110.2).
Identifiers: ClinVar variation 3254177 (VCV003254177.1), dbSNP rs2086124656.

ClinVar aggregate classification (germline): Benign (1 of 4 stars; one submission).

Conditions:
Familial cancer of breast. Also called: hereditary breast carcinoma; BREAST CANCER, FAMILIAL; Hereditary breast cancer. Identifiers: Orphanet 227535, MedGen C0346153, MONDO:0016419, OMIM 114480. Disease mechanism: loss of function.

Allele frequency attached by ClinVar (database versions not stated): gnomAD 0.00001.
gnomAD v4.1: 1 of 1,614,004 alleles (0.000062%); highest among the groups gnomAD compares: South Asian, 0.0011%; no homozygotes.

Submission:

Myriad Genetics, Inc.
Classification: Benign for Familial cancer of breast. Last evaluated: 2024-06-13. Review status: criteria provided, single submitter. Criteria: Myriad Autosomal Dominant, Autosomal Recessive and X-Linked Classification Criteria (2023). Collection method: clinical testing. Allele origin: unknown.
Comment: This variant is considered benign. This variant is a silent/synonymous amino acid change and it is not expected to impact splicing.